The following is an entry in ClinVar:

NM_001267550.2(TTN):c.16679C>A (p.Ala5560Asp)

Gene: TTN (titin; minus strand). Cytogenetic location: 2q31.2.
Variant type: single nucleotide variant.
Coding change: c.16679C>A on transcript NM_001267550.2 (MANE Select); coding-DNA position 16679, C replaced by A.
Protein change: p.Ala5560Asp; replaces alanine 5560 with aspartic acid.
Molecular consequence: missense variant. On other transcripts: intron variant (3).
Genome position (GRCh38, 1-based): chr2:178,732,290, G>T on the plus strand (C>A on the coding strand, the complement: TTN is on the minus strand). VCF-style: chr2-178732290-G-T. GRCh37 (hg19) VCF-style: chr2-179597017-G-T.
Other names: c.15728C>A, p.Ala5243Asp (NM_001256850.1); c.12947C>A, p.Ala4316Asp (NM_133378.4); c.13282+5792C>A (NM_003319.4); c.13858+5792C>A (NM_133437.4); c.13657+5792C>A (NM_133432.3); c.16679C>A (NM_001267550.1); short protein forms A4316D, A5560D, A5243D.
Identifiers: ClinVar variation 501285 (VCV000501285.9), dbSNP rs1203322735, ClinGen allele CA349580039.

ClinVar aggregate classification (germline): Uncertain significance. Review status: criteria provided, multiple submitters, no conflicts (2 of 4 stars). 2 submissions from 2 submitters: Uncertain significance (2). Last evaluated 2025-09-22.

Allele frequency attached by ClinVar (database versions not stated): gnomAD exomes 0.00001; TOPMed 0.00001.
gnomAD v4.1: 20 of 1,613,300 alleles (0.0012%); highest among the groups gnomAD compares: Admixed American, 0.0067%; no homozygotes.

Submissions (2):

GeneDx
Classification: Uncertain significance. Last evaluated: 2025-09-22. Review status: criteria provided, single submitter. Criteria: GeneDx Variant Classification Process June 2021. Collection method: clinical testing. Allele origin: germline. Affected: yes.
Comment: Not observed at significant frequency in large population cohorts (gnomAD); Missense variant in a gene in which most reported pathogenic variants are truncating/loss of function; Has not been previously published as pathogenic or benign to our knowledge

Eurofins Ntd Llc (ga)
Classification: Uncertain significance. Last evaluated: 2017-04-18. Review status: criteria provided, single submitter. Criteria: EGL Classification Definitions 2015. Collection method: clinical testing. Allele origin: germline. Observed: 2 variant alleles, 2 heterozygotes.